The following is an entry in ClinVar:

NM_000203.5(IDUA):c.1872C>T (p.Asp624=)

Gene: IDUA (alpha-L-iduronidase; plus strand). Cytogenetic location: 4p16.3.
Variant type: single nucleotide variant.
Coding change: c.1872C>T on transcript NM_000203.5 (MANE Select); coding-DNA position 1872, C replaced by T.
Protein change: p.Asp624=; no amino-acid change (aspartic acid 624 retained).
Molecular consequence: synonymous variant. On other transcripts: non-coding transcript variant (1).
Genome position (GRCh38, 1-based): chr4:1,004,303, C>T. VCF-style: chr4-1004303-C-T. GRCh37 (hg19) VCF-style: chr4-998091-C-T.
Other names: c.1476C>T, p.Asp492= (NM_001363576.1); c.1872C>T (NM_000203.4).
Identifiers: ClinVar variation 1088263 (VCV001088263.11), dbSNP rs965431982, ClinGen allele CA91172350.

ClinVar aggregate classification (germline): Likely benign. Review status: criteria provided, single submitter (1 of 4 stars). 2 submissions from 2 submitters: Likely benign (1). 1 of the submissions does not count toward it. Last evaluated 2025-01-27.

Conditions:
IDUA-related disorder. Also called: IDUA-related condition.
Mucopolysaccharidosis type 1. Also called: Mucopolysaccharidosis Type I; IDUA deficiency; MPS I. Identifiers: Orphanet 579, MedGen C0023786, MONDO:0001586.

Allele frequency attached by ClinVar (database versions not stated): gnomAD exomes below 0.00001; gnomAD 0.00002; TOPMed 0.00003.
gnomAD v4.1: 5 of 1,611,224 alleles (0.00031%); highest among the groups gnomAD compares: African/African-American, 0.0053%; no homozygotes.

Submissions (2):

Labcorp Genetics (formerly Invitae), Labcorp
Classification: Likely benign for Mucopolysaccharidosis type 1. Last evaluated: 2025-01-27. Review status: criteria provided, single submitter. Criteria: Invitae Variant Classification Sherloc (09022015). Collection method: clinical testing. Allele origin: germline.

PreventionGenetics, part of Exact Sciences
Classification: Likely benign for IDUA-related condition. Last evaluated: 2019-09-18. Review status: no assertion criteria provided. Collection method: clinical testing. Allele origin: germline. Not counted in ClinVar's aggregate classification.
Comment: This variant is classified as likely benign based on ACMG/AMP sequence variant interpretation guidelines (Richards et al. 2015 PMID: 25741868, with internal and published modifications).